The following is an entry in ClinVar:

ClinVar aggregate classification (germline): Pathogenic (1 of 4 stars; one submission).

Submission:

Labcorp Genetics (formerly Invitae), Labcorp
Classification: Pathogenic. Last evaluated: 2019-11-28. Review status: criteria provided, single submitter. Criteria: Invitae Variant Classification Sherloc (09022015). Collection method: clinical testing. Allele origin: germline.
Comment: Loss-of-function variants in MSH3 are known to be pathogenic (PMID: 27476653). For these reasons, this variant has been classified as Pathogenic. This variant has not been reported in the literature in individuals with MSH3-related conditions. This variant is not present in population databases (ExAC no frequency). This sequence change creates a premature translational stop signal (p.Thr473Asnfs*10) in the MSH3 gene. It is expected to result in an absent or disrupted protein product.

Literature cited by the submitters: PubMed 27476653.

NM_002439.5(MSH3):c.1417dup (p.Thr473fs)

Gene: MSH3 (mutS homolog 3; plus strand). Cytogenetic location: 5q14.1.
Variant type: Duplication.
Coding change: c.1417dup on transcript NM_002439.5 (MANE Select); coding-DNA position 1417, one base duplicated (A; older notation c.1417dupA).
Protein change: p.Thr473fs; shifts the reading frame from threonine 473.
Molecular consequence: frameshift variant.
Genome position (GRCh38, 1-based): chr5:80,725,529, A duplicated. VCF-style (leftmost placement, unchanged base first): chr5-80725528-T-TA. GRCh37 (hg19) VCF-style: chr5-80021347-T-TA.
Other names: short protein forms T473fs.
Identifiers: ClinVar variation 859595 (VCV000859595.7), dbSNP rs1743272091, ClinGen allele CA916082726.